The following is an entry in ClinVar:

ClinVar aggregate classification (germline): Likely benign (1 of 4 stars; one submission).

Submission:

GeneDx
Classification: Likely benign. Last evaluated: 2017-11-13. Review status: criteria provided, single submitter. Criteria: GeneDx Variant Classification (06012015). Collection method: clinical testing. Allele origin: germline. Affected: yes.
Comment: This variant is considered likely benign or benign based on one or more of the following criteria: it is a conservative change, it occurs at a poorly conserved position in the protein, it is predicted to be benign by multiple in silico algorithms, and/or has population frequency not consistent with disease.

NM_001128225.3(SLC39A13):c.-8-16C>A

Gene: SLC39A13 (solute carrier family 39 member 13; plus strand). Cytogenetic location: 11p11.2.
Variant type: single nucleotide variant.
Coding change: c.-8-16C>A on transcript NM_001128225.3 (MANE Select); 16 bases into the intron before 8 bases upstream of the start codon, C replaced by A.
Molecular consequence: intron variant. On other transcripts: 5 prime UTR variant (1).
Genome position (GRCh38, 1-based): chr11:47,410,071, C>A. VCF-style: chr11-47410071-C-A. GRCh37 (hg19) VCF-style: chr11-47431622-C-A.
Other names: c.-24C>A (NM_152264.5); c.-8-16C>A (NM_001330245.2).
Identifiers: ClinVar variation 513330 (VCV000513330.1), dbSNP rs1555134520, ClinGen allele CA658797640.